The following is an entry in ClinVar:

NM_000256.3(MYBPC3):c.1227-10C>G

Gene: MYBPC3 (myosin binding protein C3; minus strand). Cytogenetic location: 11p11.2.
Variant type: single nucleotide variant.
Coding change: c.1227-10C>G on transcript NM_000256.3 (MANE Select); 10 bases into the intron before coding-DNA position 1227, C replaced by G.
Molecular consequence: intron variant.
Genome position (GRCh38, 1-based): chr11:47,343,155, G>C on the plus strand (C>G on the coding strand, the complement: MYBPC3 is on the minus strand). VCF-style: chr11-47343155-G-C. GRCh37 (hg19) VCF-style: chr11-47364706-G-C.
Identifiers: ClinVar variation 2773748 (VCV002773748.2), dbSNP rs374673836, ClinGen allele CA2697548583.

ClinVar aggregate classification (germline): Uncertain significance (1 of 4 stars; one submission).

Conditions:
Cardiomyopathy (CMYO). Also called: Cardiomyopathies. Identifiers: Orphanet 167848, MedGen C0878544, MONDO:0004994, HP:0001638. Inheritance: Various modes of inheritance.

Submission:

Color Diagnostics, LLC DBA Color Health
Classification: Uncertain significance for Cardiomyopathy. Last evaluated: 2023-09-18. Review status: criteria provided, single submitter. Criteria: ACMG Guidelines, 2015. Collection method: clinical testing. Allele origin: germline.
Comment: This variant causes a C to G nucleotide substitution at the -10 position of intron 14 of the MYBPC3 gene. To our knowledge, functional studies have not been reported for this variant. This variant has not been reported in individuals affected with MYBPC3-related disorders in the literature. This variant has not been identified in the general population by the Genome Aggregation Database (gnomAD). The available evidence is insufficient to determine the role of this variant in disease conclusively. Therefore, this variant is classified as a Variant of Uncertain Significance.